The following is an entry in ClinVar:

NM_006031.6(PCNT):c.9589C>T (p.Arg3197Cys)

Gene: PCNT (pericentrin; plus strand). Cytogenetic location: 21q22.3.
Variant type: single nucleotide variant.
Coding change: c.9589C>T on transcript NM_006031.6 (MANE Select); coding-DNA position 9589, C replaced by T.
Protein change: p.Arg3197Cys; replaces arginine 3197 with cysteine.
Molecular consequence: missense variant.
Genome position (GRCh38, 1-based): chr21:46,441,050, C>T. VCF-style: chr21-46441050-C-T. GRCh37 (hg19) VCF-style: chr21-47860963-C-T.
Other names: c.8998C>T, p.Arg3000Cys (NM_001315529.2); short protein forms R3000C, R3197C.
Identifiers: ClinVar variation 3358843 (VCV003358843.1).

ClinVar aggregate classification (germline): Uncertain significance (0 of 4 stars; one submission).

Conditions:
PCNT-related disorder. Also called: PCNT-related condition.

gnomAD v4.1: 28 of 1,613,816 alleles (0.0017%); highest among the groups gnomAD compares: East Asian, 0.018%; no homozygotes.

Submission:

PreventionGenetics, part of Exact Sciences
Classification: Uncertain significance for PCNT-related condition. Last evaluated: 2024-04-24. Review status: no assertion criteria provided. Collection method: clinical testing. Allele origin: germline.
Comment: The PCNT c.9589C>T variant is predicted to result in the amino acid substitution p.Arg3197Cys. To our knowledge, this variant has not been reported in the literature. This variant is reported in 0.033% of alleles in individuals of East Asian descent in gnomAD. At this time, the clinical significance of this variant is uncertain due to the absence of conclusive functional and genetic evidence.